The following is an entry in ClinVar:

ClinVar aggregate classification (germline): Uncertain significance (1 of 4 stars; one submission).

Conditions:
Cardiovascular phenotype. Identifiers: MedGen CN230736.

Submission:

Ambry Genetics
Classification: Uncertain significance for Cardiovascular phenotype. Last evaluated: 2022-01-05. Review status: criteria provided, single submitter. Criteria: Ambry Variant Classification Scheme 2023. Collection method: clinical testing. Allele origin: germline.
Comment: The p.I661V variant (also known as c.1981A>G), located in coding exon 7 of the HCN4 gene, results from an A to G substitution at nucleotide position 1981. The isoleucine at codon 661 is replaced by valine, an amino acid with highly similar properties. This amino acid position is conserved. In addition, the in silico prediction for this alteration is inconclusive. Since supporting evidence is limited at this time, the clinical significance of this alteration remains unclear.

NM_005477.3(HCN4):c.1981A>G (p.Ile661Val)

Gene: HCN4 (hyperpolarization activated cyclic nucleotide gated potassium channel 4; minus strand). Cytogenetic location: 15q24.1.
Variant type: single nucleotide variant.
Coding change: c.1981A>G on transcript NM_005477.3 (MANE Select); coding-DNA position 1981, A replaced by G.
Protein change: p.Ile661Val; replaces isoleucine 661 with valine.
Molecular consequence: missense variant.
Genome position (GRCh38, 1-based): chr15:73,324,251, T>C on the plus strand (A>G on the coding strand, the complement: HCN4 is on the minus strand). VCF-style: chr15-73324251-T-C. GRCh37 (hg19) VCF-style: chr15-73616592-T-C.
Other names: short protein forms I661V.
Identifiers: ClinVar variation 1783813 (VCV001783813.2), dbSNP rs2549069529, ClinGen allele CA393090423.